The following is an entry in ClinVar:

NM_025099.6(CTC1):c.670C>T (p.Arg224Ter)

Gene: CTC1 (CST telomere replication complex component 1; minus strand). Cytogenetic location: 17p13.1.
Variant type: single nucleotide variant.
Coding change: c.670C>T on transcript NM_025099.6 (MANE Select); coding-DNA position 670, C replaced by T.
Protein change: p.Arg224Ter; replaces arginine 224 with a stop codon.
Molecular consequence: nonsense.
Genome position (GRCh38, 1-based): chr17:8,237,497, G>A on the plus strand (C>T on the coding strand, the complement: CTC1 is on the minus strand). VCF-style: chr17-8237497-G-A. GRCh37 (hg19) VCF-style: chr17-8140815-G-A.
Other names: c.670C>T (NM_025099.5); short protein forms R224*.
Identifiers: ClinVar variation 987292 (VCV000987292.11), dbSNP rs1169567839, ClinGen allele CA397991957.

ClinVar aggregate classification (germline): Pathogenic/Likely pathogenic. Review status: criteria provided, multiple submitters, no conflicts (2 of 4 stars). 5 submissions from 5 submitters: Pathogenic (2); Likely pathogenic (2). 1 of the submissions does not count toward it. Last evaluated 2023-01-30.

Conditions:
CTC1-related disorder. Also called: CTC1-related condition.
Dyskeratosis congenita. Identifiers: Orphanet 1775, MedGen C0265965, MONDO:0015780.
Cerebroretinal microangiopathy with calcifications and cysts 1 (CRMCC1). Identifiers: Orphanet 313838, MedGen C4552029, MONDO:0024564, OMIM 612199.

Allele frequency attached by ClinVar (database versions not stated): TOPMed 0.00001; gnomAD exomes 0.00001; gnomAD 0.00001.

Submissions (5):

Labcorp Genetics (formerly Invitae), Labcorp
Classification: Pathogenic for Dyskeratosis congenita. Last evaluated: 2023-01-30. Review status: criteria provided, single submitter. Criteria: Invitae Variant Classification Sherloc (09022015). Collection method: clinical testing. Allele origin: germline.
Comment: For these reasons, this variant has been classified as Pathogenic. Algorithms developed to predict the effect of sequence changes on RNA splicing suggest that this variant may create or strengthen a splice site. ClinVar contains an entry for this variant (Variation ID: 987292). This variant has not been reported in the literature in individuals affected with CTC1-related conditions. This variant is present in population databases (no rsID available, gnomAD 0.002%). This sequence change creates a premature translational stop signal (p.Arg224*) in the CTC1 gene. It is expected to result in an absent or disrupted protein product. Loss-of-function variants in CTC1 are known to be pathogenic (PMID: 22267198, 22387016).

Blueprint Genetics
Classification: Likely pathogenic for CTC1-related disorders. Last evaluated: 2022-04-23. Review status: criteria provided, single submitter. Criteria: ACMG Guidelines, 2015. Collection method: clinical testing. Allele origin: germline. Affected: yes. Observed: 2 variant alleles.

Institute of Medical Genetics and Applied Genomics, University Hospital Tübingen
Classification: Pathogenic. Last evaluated: 2020-10-23. Review status: criteria provided, single submitter. Criteria: ACMG Guidelines, 2015. Collection method: clinical testing. Allele origin: germline. Inheritance: Autosomal recessive inheritance. Affected: yes.

Juno Genomics, Hangzhou Juno Genomics, Inc
Classification: Likely pathogenic for Cerebroretinal microangiopathy with calcifications and cysts 1. Review status: criteria provided, single submitter. Criteria: ACMG Guidelines, 2015. Collection method: clinical testing. Allele origin: germline. Affected: yes.
Comment: Absent from controls (or at extremely low frequency if recessive) in Genome Aggregation Database.;Null variant in a gene where loss of function (LOF) is a known mechanism of disease.

PreventionGenetics, part of Exact Sciences
Classification: Pathogenic for CTC1-related condition. Last evaluated: 2023-11-10. Review status: no assertion criteria provided. Collection method: clinical testing. Allele origin: germline. Not counted in ClinVar's aggregate classification.
Comment: The CTC1 c.670C>T variant is predicted to result in premature protein termination (p.Arg224*). To our knowledge, this variant has not been reported in the literature in a patient with a CTC1-related disorder. This variant is reported in 0.0018% of alleles in individuals of European (Non-Finnish) descent in gnomAD. Nonsense variants in CTC1 are expected to be pathogenic. This variant is interpreted as pathogenic.

Literature cited by the submitters: PubMed 22267198 (cited by Labcorp Genetics (formerly Invitae), Labcorp); PubMed 22387016 (cited by Labcorp Genetics (formerly Invitae), Labcorp).